The following is an entry in ClinVar:

NM_000245.4(MET):c.3728C>A (p.Ala1243Glu)

Gene: MET (MET proto-oncogene, receptor tyrosine kinase; plus strand). Cytogenetic location: 7q31.2.
Variant type: single nucleotide variant.
Coding change: c.3728C>A on transcript NM_000245.4 (MANE Select); coding-DNA position 3728, C replaced by A.
Protein change: p.Ala1243Glu; replaces alanine 1243 with glutamic acid.
Molecular consequence: missense variant.
Genome position (GRCh38, 1-based): chr7:116,783,399, C>A. VCF-style: chr7-116783399-C-A. GRCh37 (hg19) VCF-style: chr7-116423453-C-A.
Other names: c.3782C>A, p.Ala1261Glu (NM_001127500.3); c.2438C>A, p.Ala813Glu (NM_001324402.2); short protein forms A1243E, A813E, A1261E.
Identifiers: ClinVar variation 1734859 (VCV001734859.4), dbSNP rs956827205, ClinGen allele CA164910981.

ClinVar aggregate classification (germline): Uncertain significance. Review status: criteria provided, multiple submitters, no conflicts (2 of 4 stars). 2 submissions from 2 submitters: Uncertain significance (2). Last evaluated 2025-09-12.

Conditions:
Renal cell carcinoma. Identifiers: Orphanet 217071, MedGen C0007134, MeSH D002292, MONDO:0005086, HP:0005584.
Hereditary cancer-predisposing syndrome. Also called: Neoplastic Syndromes, Hereditary; Tumor predisposition; Hereditary Cancer Syndrome; Hereditary neoplastic syndrome. Identifiers: Orphanet 140162, MedGen C0027672, MeSH D009386, MONDO:0015356.

Allele frequency attached by ClinVar (database versions not stated): gnomAD exomes below 0.00001.

Submissions (2):

Labcorp Genetics (formerly Invitae), Labcorp
Classification: Uncertain significance for Renal cell carcinoma. Last evaluated: 2025-09-12. Review status: criteria provided, single submitter. Criteria: Invitae Variant Classification Sherloc (09022015). Collection method: clinical testing. Allele origin: germline.
Comment: This sequence change replaces alanine, which is neutral and non-polar, with glutamic acid, which is acidic and polar, at codon 1261 of the MET protein (p.Ala1261Glu). This variant is not present in population databases (gnomAD no frequency). This variant has not been reported in the literature in individuals affected with MET-related conditions. ClinVar contains an entry for this variant (Variation ID: 1734859). Invitae Evidence Modeling of protein sequence and biophysical properties (such as structural, functional, and spatial information, amino acid conservation, physicochemical variation, residue mobility, and thermodynamic stability) indicates that this missense variant is expected to disrupt MET protein function with a positive predictive value of 80%. In summary, the available evidence is currently insufficient to determine the role of this variant in disease. Therefore, it has been classified as a Variant of Uncertain Significance.

Ambry Genetics
Classification: Uncertain significance for Hereditary cancer-predisposing syndrome. Last evaluated: 2024-09-24. Review status: criteria provided, single submitter. Criteria: Ambry Variant Classification Scheme 2023. Collection method: clinical testing. Allele origin: germline.
Comment: The p.A1261E variant (also known as c.3782C>A), located in coding exon 18 of the MET gene, results from a C to A substitution at nucleotide position 3782. The alanine at codon 1261 is replaced by glutamic acid, an amino acid with dissimilar properties. This amino acid position is well conserved in available vertebrate species. In addition, this alteration is predicted to be tolerated by in silico analysis. Based on the available evidence, the clinical significance of this variant remains unclear.